The following is an entry in ClinVar:

NM_001194998.2(CEP152):c.4094-1G>A

Gene: CEP152 (centrosomal protein 152; minus strand). Cytogenetic location: 15q21.1.
Variant type: single nucleotide variant.
Coding change: c.4094-1G>A on transcript NM_001194998.2 (MANE Select); the canonical splice acceptor site of the intron before coding-DNA position 4094, G replaced by A.
Molecular consequence: splice acceptor variant.
Genome position (GRCh38, 1-based): chr15:48,739,289, C>T on the plus strand (G>A on the coding strand, the complement: CEP152 is on the minus strand). VCF-style: chr15-48739289-C-T. GRCh37 (hg19) VCF-style: chr15-49031486-C-T.
Other names: c.3926-1G>A (NM_014985.4).
Identifiers: ClinVar variation 1373306 (VCV001373306.4), dbSNP rs759175035, ClinGen allele CA7548157.

ClinVar aggregate classification (germline): Conflicting classifications of pathogenicity. Review status: criteria provided, conflicting classifications (1 of 4 stars). 3 submissions from 3 submitters: Likely pathogenic (1); Uncertain significance (2). Last evaluated 2023-06-12.

Conditions:
CEP152-related disorder. Also called: CEP152-related disorders; CEP152-related condition. Identifiers: MedGen CN239248.

Allele frequency attached by ClinVar (database versions not stated): ExAC 0.00002; gnomAD 0.00002; gnomAD exomes 0.00002; TOPMed 0.00002.
gnomAD v4.1: 29 of 1,609,340 alleles (0.0018%); highest among the groups gnomAD compares: Middle Eastern, 0.066%; no homozygotes.

Submissions (3):

Blueprint Genetics
Classification: Likely pathogenic for CEP152-related disorders. Last evaluated: 2023-06-12. Review status: criteria provided, single submitter. Criteria: ACMG Guidelines, 2015. Collection method: clinical testing. Allele origin: germline. Affected: yes. Observed: 2 variant alleles.

Women's Health and Genetics/Laboratory Corporation of America, LabCorp
Classification: Uncertain significance. Last evaluated: 2023-02-16. Review status: criteria provided, single submitter. Criteria: LabCorp Variant Classification Summary - May 2015. Collection method: clinical testing. Allele origin: germline.
Comment: Variant summary: CEP152 c.3926-1G>A is located in a canonical splice-site and may affect mRNA splicing resulting in a significantly altered protein due to either exon skipping, shortening, or inclusion of intronic material. The variant allele was found at a frequency of 2.5e-05 in 243182 control chromosomes. The available data on variant occurrences in the general population are insufficient to allow any conclusion about variant significance. To our knowledge, no occurrence of c.3926-1G>A in individuals affected with CEP152-Related Disorders and no experimental evidence demonstrating its impact on protein function have been reported. One ClinVar submitter has submitted clinical-significance assessments for this variant to ClinVar after 2014 and classified the variant as uncertain significance. Based on the evidence outlined above, the variant was classified as uncertain significance.

Labcorp Genetics (formerly Invitae), Labcorp
Classification: Uncertain significance. Last evaluated: 2021-08-12. Review status: criteria provided, single submitter. Criteria: Invitae Variant Classification Sherloc (09022015). Collection method: clinical testing. Allele origin: germline.
Comment: This sequence change affects an acceptor splice site in intron 25 of the CEP152 gene. While this variant is not anticipated to result in nonsense mediated decay, it likely alters RNA splicing and results in a disrupted protein product. This variant is present in population databases (rs759175035, ExAC 0.003%). This variant has not been reported in the literature in individuals affected with CEP152-related conditions. Variants that disrupt the consensus splice site are a relatively common cause of aberrant splicing (PMID: 17576681, 9536098). Algorithms developed to predict the effect of sequence changes on RNA splicing suggest that this variant may disrupt the consensus splice site. In summary, the available evidence is currently insufficient to determine the role of this variant in disease. Therefore, it has been classified as a Variant of Uncertain Significance.

Literature cited by the submitters: PubMed 17576681 (cited by Labcorp Genetics (formerly Invitae), Labcorp); PubMed 9536098 (cited by Labcorp Genetics (formerly Invitae), Labcorp).